The following is an entry in ClinVar:

NM_030962.4(SBF2):c.3686T>C (p.Ile1229Thr)

Gene: SBF2 (SET binding factor 2; minus strand). Cytogenetic location: 11p15.4.
Variant type: single nucleotide variant.
Coding change: c.3686T>C on transcript NM_030962.4 (MANE Select); coding-DNA position 3686, T replaced by C.
Protein change: p.Ile1229Thr; replaces isoleucine 1229 with threonine.
Molecular consequence: missense variant.
Genome position (GRCh38, 1-based): chr11:9,829,463, A>G on the plus strand (T>C on the coding strand, the complement: SBF2 is on the minus strand). VCF-style: chr11-9829463-A-G. GRCh37 (hg19) VCF-style: chr11-9851010-A-G.
Other names: c.3686T>C, p.Ile1229Thr (NM_001386339.1); c.3557T>C, p.Ile1186Thr (NM_001386342.1); short protein forms I1229T, I1186T.
Identifiers: ClinVar variation 934389 (VCV000934389.10), dbSNP rs1443759629, ClinGen allele CA379645374.
Genomic context (GRCh38, chr11:9,829,463, plus strand): 5'-CTGAGTTTCTGATGGACAGAAACAGCATTCAGTAAGGCTTGCAAGTATTTCTCTTGTTCT[A>G]TGCTACTGGAAGATTCTAAAGAGGAGGTAGGAGCTATAAAAGGAAAATATATTGAATAAA-3'
Protein context (NP_112224.1, residues 1219-1239): PTSSLESSSS[Ile1229Thr]EQEKYLQALL

ClinVar aggregate classification (germline): Uncertain significance. Review status: criteria provided, multiple submitters, no conflicts (2 of 4 stars). 2 submissions from 2 submitters: Uncertain significance (2). Last evaluated 2024-05-22.

Conditions:
Inborn genetic diseases. Identifiers: MedGen C0950123, MeSH D030342.
Charcot-Marie-Tooth disease type 4. Also called: Charcot-Marie-Tooth disease, type IV; Charcot-Marie-Tooth, Type 4. Identifiers: Orphanet 64749, MedGen C4082197, MONDO:0018995.

Allele frequency attached by ClinVar (database versions not stated): gnomAD 0.00001; TOPMed 0.00001; gnomAD exomes 0.00002.
gnomAD v4.1: 25 of 1,613,018 alleles (0.0015%); highest among the groups gnomAD compares: Non-Finnish European, 0.002%; no homozygotes.

Submissions (2):

Ambry Genetics
Classification: Uncertain significance for Inborn genetic diseases. Last evaluated: 2024-05-22. Review status: criteria provided, single submitter. Criteria: Ambry Variant Classification Scheme 2023. Collection method: clinical testing. Allele origin: germline.

Labcorp Genetics (formerly Invitae), Labcorp
Classification: Uncertain significance for Charcot-Marie-Tooth disease type 4. Last evaluated: 2022-02-06. Review status: criteria provided, single submitter. Criteria: Invitae Variant Classification Sherloc (09022015). Collection method: clinical testing. Allele origin: germline.
Comment: This sequence change replaces isoleucine, which is neutral and non-polar, with threonine, which is neutral and polar, at codon 1229 of the SBF2 protein (p.Ile1229Thr). This variant is present in population databases (no rsID available, gnomAD 0.007%). This variant has not been reported in the literature in individuals affected with SBF2-related conditions. ClinVar contains an entry for this variant (Variation ID: 934389). Algorithms developed to predict the effect of missense changes on protein structure and function (SIFT, PolyPhen-2, Align-GVGD) all suggest that this variant is likely to be tolerated. In summary, the available evidence is currently insufficient to determine the role of this variant in disease. Therefore, it has been classified as a Variant of Uncertain Significance.